The following continues an entry in ClinVar:

NM_020975.6(RET):c.375C>A (p.Val125=)

Gene: RET. ClinVar aggregate classification (germline): Benign/Likely benign. Benign (17); Likely benign (4).

Submissions 20 to 33 of 33:

Breakthrough Genomics
Classification: Likely benign. Review status: criteria provided, single submitter. Criteria: ACMG Guidelines, 2015. Collection method: not provided. Allele origin: germline. Inheritance: Autosomal dominant inheritance. Affected: yes.

PreventionGenetics, part of Exact Sciences
Classification: Benign. Review status: criteria provided, single submitter. Criteria: ACMG Guidelines, 2015. Collection method: clinical testing. Allele origin: germline.

Human Genomics Unit, Institute for molecular medicine Finland (FIMM)
Classification: Benign for Hirschsprung disease. Last evaluated: 2013-01-01. Review status: no assertion criteria provided. Collection method: research. Allele origin: unknown. Affected: yes. Observed: 2 variant alleles. Not counted in ClinVar's aggregate classification.

Diagnostic Laboratory, Department of Genetics, University Medical Center Groningen
Classification: Benign. Review status: no assertion criteria provided. Collection method: clinical testing. Allele origin: germline. Affected: yes. Study: VKGL Data-share Consensus. Not counted in ClinVar's aggregate classification.

Dr. Peter K. Rogan Lab, Western University
No classification provided (evidence only). Condition: Clear cell carcinoma of kidney. Review status: no classification provided. Collection method: in vitro. Allele origin: not applicable. Functional consequence: retained intron. Not counted in ClinVar's aggregate classification.

Dr. Peter K. Rogan Lab, Western University
No classification provided (evidence only). Condition: Clear cell carcinoma of kidney. Review status: no classification provided. Collection method: in vitro. Allele origin: not applicable. Functional consequence: retained intron. Not counted in ClinVar's aggregate classification.

Dr. Peter K. Rogan Lab, Western University
No classification provided (evidence only). Condition: Familial cancer of breast. Review status: no classification provided. Collection method: in vitro. Allele origin: not applicable. Functional consequence: skipped exon, retained intron. Not counted in ClinVar's aggregate classification.

Dr. Peter K. Rogan Lab, Western University
No classification provided (evidence only). Condition: Familial cancer of breast. Review status: no classification provided. Collection method: in vitro. Allele origin: not applicable. Functional consequence: skipped exon, retained intron. Not counted in ClinVar's aggregate classification.

Dr. Peter K. Rogan Lab, Western University
No classification provided (evidence only). Condition: Thyroid cancer, nonmedullary, 1. Review status: no classification provided. Collection method: in vitro. Allele origin: not applicable. Functional consequence: retained intron. Not counted in ClinVar's aggregate classification.

Dr. Peter K. Rogan Lab, Western University
No classification provided (evidence only). Condition: Uterine corpus endometrial carcinoma. Review status: no classification provided. Collection method: in vitro. Allele origin: not applicable. Functional consequence: retained intron. Not counted in ClinVar's aggregate classification.

Dr. Peter K. Rogan Lab, Western University
No classification provided (evidence only). Condition: Sarcoma. Review status: no classification provided. Collection method: in vitro. Allele origin: not applicable. Functional consequence: skipped exon. Not counted in ClinVar's aggregate classification.

Dr. Peter K. Rogan Lab, Western University
No classification provided (evidence only). Condition: Hepatocellular carcinoma. Review status: no classification provided. Collection method: in vitro. Allele origin: not applicable. Functional consequence: retained intron. Not counted in ClinVar's aggregate classification.

Genome Diagnostics Laboratory, Amsterdam University Medical Center
Classification: Benign. Review status: no assertion criteria provided. Collection method: clinical testing. Allele origin: germline. Affected: yes. Study: VKGL Data-share Consensus. Not counted in ClinVar's aggregate classification.

Joint Genome Diagnostic Labs from Nijmegen and Maastricht, Radboudumc and MUMC+
Classification: Benign. Review status: no assertion criteria provided. Collection method: clinical testing. Allele origin: germline. Affected: yes. Study: VKGL Data-share Consensus. Not counted in ClinVar's aggregate classification.

Literature cited by the submitters: PubMed 10528857 (cited by Athena Diagnostics); PubMed 14627689 (cited by Athena Diagnostics).